The following is an entry in ClinVar:

NM_001146334.2(NACAD):c.2520C>T (p.Ser840=)

Gene: NACAD (NAC alpha domain containing; minus strand). Cytogenetic location: 7p13.
Variant type: single nucleotide variant.
Coding change: c.2520C>T on transcript NM_001146334.2 (MANE Select); coding-DNA position 2520, C replaced by T.
Protein change: p.Ser840=; no amino-acid change (serine 840 retained).
Molecular consequence: synonymous variant.
Genome position (GRCh38, 1-based): chr7:45,083,660, G>A on the plus strand (C>T on the coding strand, the complement: NACAD is on the minus strand). VCF-style: chr7-45083660-G-A. GRCh37 (hg19) VCF-style: chr7-45123259-G-A.
Identifiers: ClinVar variation 4681448 (VCV004681448.5).
Genomic context (GRCh38, chr7:45,083,660, plus strand): 5'-CACAGGCTTTGGGGCTGACGAGAGATCTGTGTCTTGTAGGGGCAGAGGCGGTGTCATAGC[G>A]GAGTCCTGGGGTAAGGTGAGGCCCTCTTCAGCCTGCTGGGACACAATCGTGGCTGCAGCC-3'
Protein context (NP_001139806.1, residues 830-850): AEEGLTLPQD[Ser840=]AMTPPLPLQD

ClinVar aggregate classification (germline): Likely benign (1 of 4 stars; one submission).

Submission:

CeGaT Center for Human Genetics Tuebingen
Classification: Likely benign. Last evaluated: 2025-12-01. Review status: criteria provided, single submitter. Criteria: CeGaT Center For Human Genetics Tuebingen Variant Classification Criteria Version 2. Collection method: clinical testing. Allele origin: germline. Affected: yes. Observed: 1 variant allele.
Comment: NACAD: BP4, BP7